The following is an entry in ClinVar:

NM_182961.4(SYNE1):c.4928C>T (p.Ala1643Val)

Gene: SYNE1 (spectrin repeat containing nuclear envelope protein 1; minus strand). Cytogenetic location: 6q25.2.
Variant type: single nucleotide variant.
Coding change: c.4928C>T on transcript NM_182961.4 (MANE Select); coding-DNA position 4928, C replaced by T.
Protein change: p.Ala1643Val; replaces alanine 1643 with valine.
Molecular consequence: missense variant.
Genome position (GRCh38, 1-based): chr6:152,428,253, G>A on the plus strand (C>T on the coding strand, the complement: SYNE1 is on the minus strand). VCF-style: chr6-152428253-G-A. GRCh37 (hg19) VCF-style: chr6-152749388-G-A.
Other names: c.4949C>T (NM_033071.3); c.4949C>T, p.Ala1650Val (NM_033071.5); short protein forms A1643V, A1650V.
Identifiers: ClinVar variation 596403 (VCV000596403.11), dbSNP rs753598584, ClinGen allele CA4058426.

ClinVar aggregate classification (germline): Uncertain significance. Review status: criteria provided, multiple submitters, no conflicts (2 of 4 stars). 3 submissions from 3 submitters: Uncertain significance (3). Last evaluated 2022-10-19.

Conditions:
Autosomal recessive ataxia, Beauce type. Also called: Spinocerebellar ataxia, autosomal recessive 8; ATAXIA, RECESSIVE, OF BEAUCE; SYNE1 Deficiency; SYNE1-Related Autosomal Recessive Cerebellar Ataxia. Identifiers: Orphanet 88644, MedGen C1853116, MONDO:0012549, OMIM 610743.
Emery-Dreifuss muscular dystrophy 4, autosomal dominant (EDMD4). Also called: EMERY-DREIFUSS MUSCULAR DYSTROPHY 4 WITH VARIABLE FEATURES. Identifiers: Orphanet 261, MedGen C2751807, MONDO:0013071, OMIM 612998.

Allele frequency attached by ClinVar (database versions not stated): gnomAD exomes below 0.00001 and 0.00001; ExAC 0.00001; gnomAD 0.00001 and 0.00002; TOPMed 0.00002.
gnomAD v4.1: 11 of 1,613,946 alleles (0.00068%); highest among the groups gnomAD compares: Middle Eastern, 0.016%; no homozygotes.

Submissions (3):

Revvity Omics, Revvity
Classification: Uncertain significance. Last evaluated: 2022-10-19. Review status: criteria provided, single submitter. Criteria: ACMG Guidelines, 2015. Collection method: clinical testing. Allele origin: germline.

Labcorp Genetics (formerly Invitae), Labcorp
Classification: Uncertain significance for Emery-Dreifuss muscular dystrophy 4, autosomal dominant; Autosomal recessive ataxia, Beauce type. Last evaluated: 2022-10-15. Review status: criteria provided, single submitter. Criteria: Invitae Variant Classification Sherloc (09022015). Collection method: clinical testing. Allele origin: germline.
Comment: Algorithms developed to predict the effect of missense changes on protein structure and function output the following: SIFT: "Tolerated"; PolyPhen-2: "Benign"; Align-GVGD: "Class C0". The valine amino acid residue is found in multiple mammalian species, which suggests that this missense change does not adversely affect protein function. This sequence change replaces alanine, which is neutral and non-polar, with valine, which is neutral and non-polar, at codon 1650 of the SYNE1 protein (p.Ala1650Val). This variant is present in population databases (rs753598584, gnomAD 0.0009%). This variant has not been reported in the literature in individuals affected with SYNE1-related conditions. ClinVar contains an entry for this variant (Variation ID: 596403). In summary, the available evidence is currently insufficient to determine the role of this variant in disease. Therefore, it has been classified as a Variant of Uncertain Significance.

Eurofins Ntd Llc (ga)
Classification: Uncertain significance. Last evaluated: 2018-03-13. Review status: criteria provided, single submitter. Criteria: EGL ClinVar v180209 classification definitions. Collection method: clinical testing. Allele origin: germline. Observed: 1 variant allele, 1 heterozygote.